The following is an entry in ClinVar:

NM_001378120.1(MBD5):c.101T>A (p.Val34Glu)

Gene: MBD5 (methyl-CpG binding domain protein 5; plus strand). Cytogenetic location: 2q23.1.
Variant type: single nucleotide variant.
Coding change: c.101T>A on transcript NM_001378120.1 (MANE Select); coding-DNA position 101, T replaced by A.
Protein change: p.Val34Glu; replaces valine 34 with glutamic acid.
Molecular consequence: missense variant.
Genome position (GRCh38, 1-based): chr2:148,458,859, T>A. VCF-style: chr2-148458859-T-A. GRCh37 (hg19) VCF-style: chr2-149216428-T-A.
Other names: c.101T>A, p.Val34Glu (NM_018328.5); short protein forms V34E.
Identifiers: ClinVar variation 3662228 (VCV003662228.2).

ClinVar aggregate classification (germline): Likely pathogenic (1 of 4 stars; one submission).

Conditions:
Intellectual developmental disorder, autosomal dominant 1. Also called: MBD5 Haploinsufficiency; Intellectual disability, autosomal dominant 1. Identifiers: Orphanet 228402, MedGen C1969562, MONDO:0007974, OMIM 156200.

Submission:

Labcorp Genetics (formerly Invitae), Labcorp
Classification: Likely pathogenic for Intellectual developmental disorder, autosomal dominant 1. Last evaluated: 2024-09-13. Review status: criteria provided, single submitter. Criteria: Invitae Variant Classification Sherloc (09022015). Collection method: clinical testing. Allele origin: germline.
Comment: This sequence change replaces valine, which is neutral and non-polar, with glutamic acid, which is acidic and polar, at codon 34 of the MBD5 protein (p.Val34Glu). This variant is not present in population databases (gnomAD no frequency). This missense change has been observed in individual(s) with MBD5-related conditions (internal data). In at least one individual the variant was observed to be de novo. Invitae Evidence Modeling of protein sequence and biophysical properties (such as structural, functional, and spatial information, amino acid conservation, physicochemical variation, residue mobility, and thermodynamic stability) has been performed for this missense variant. However, the output from this modeling did not meet the statistical confidence thresholds required to predict the impact of this variant on MBD5 protein function. In summary, the currently available evidence indicates that the variant is pathogenic, but additional data are needed to prove that conclusively. Therefore, this variant has been classified as Likely Pathogenic.